The following is an entry in ClinVar:

NM_005506.4(SCARB2):c.1433C>A (p.Thr478Asn)

Gene: SCARB2 (scavenger receptor class B member 2; minus strand). Cytogenetic location: 4q21.1.
Variant type: single nucleotide variant.
Coding change: c.1433C>A on transcript NM_005506.4 (MANE Select); coding-DNA position 1433, C replaced by A.
Protein change: p.Thr478Asn; replaces threonine 478 with asparagine.
Molecular consequence: missense variant.
Genome position (GRCh38, 1-based): chr4:76,161,717, G>T on the plus strand (C>A on the coding strand, the complement: SCARB2 is on the minus strand). VCF-style: chr4-76161717-G-T. GRCh37 (hg19) VCF-style: chr4-77082870-G-T.
Other names: c.1004C>A, p.Thr335Asn (NM_001204255.2); short protein forms T335N, T478N.
Identifiers: ClinVar variation 1476115 (VCV001476115.3), dbSNP rs2109930564, ClinGen allele CA357312966.
Genomic context (GRCh38, chr4:76,161,717, plus strand): 5'-GTCATCGTCCAGGTCAGGACAGCTCACACAGTTTCTTCACCAAGCAAAGGCAATGTTTAG[G>T]TTCGAATGAGGGGTGCTCTTTCATCCGCTGTTCCCTGAAACACAGAAGAGAGAAAACAAG-3'
Protein context (NP_005497.1, residues 468-478): TADERAPLIR[Thr478Asn]

ClinVar aggregate classification (germline): Uncertain significance (1 of 4 stars; one submission).

Conditions:
Progressive myoclonic epilepsy. Also called: Familial progressive myoclonic epilepsy; Myoclonic Epilepsies, Progressive; Myoclonus epilepsy; Progressive myoclonus epilepsy. Identifiers: Orphanet 308, Orphanet 98261, MedGen C0751778, MONDO:0020074.

Submission:

Labcorp Genetics (formerly Invitae), Labcorp
Classification: Uncertain significance for Progressive myoclonic epilepsy. Last evaluated: 2021-11-27. Review status: criteria provided, single submitter. Criteria: Invitae Variant Classification Sherloc (09022015). Collection method: clinical testing. Allele origin: germline.
Comment: This sequence change replaces threonine, which is neutral and polar, with asparagine, which is neutral and polar, at codon 478 of the SCARB2 protein (p.Thr478Asn). This variant is not present in population databases (gnomAD no frequency). This variant has not been reported in the literature in individuals affected with SCARB2-related conditions. Algorithms developed to predict the effect of missense changes on protein structure and function are either unavailable or do not agree on the potential impact of this missense change (SIFT: "Tolerated"; PolyPhen-2: "Possibly Damaging"; Align-GVGD: "Class C0"). In summary, the available evidence is currently insufficient to determine the role of this variant in disease. Therefore, it has been classified as a Variant of Uncertain Significance.